The following is an entry in ClinVar:

NM_001378454.1(ALMS1):c.6085A>G (p.Thr2029Ala)

Gene: ALMS1 (ALMS1 centrosome and basal body associated protein; plus strand). Cytogenetic location: 2p13.1.
Variant type: single nucleotide variant.
Coding change: c.6085A>G on transcript NM_001378454.1 (MANE Select); coding-DNA position 6085, A replaced by G.
Protein change: p.Thr2029Ala; replaces threonine 2029 with alanine.
Molecular consequence: missense variant.
Genome position (GRCh38, 1-based): chr2:73,452,612, A>G. VCF-style: chr2-73452612-A-G. GRCh37 (hg19) VCF-style: chr2-73679739-A-G.
Other names: c.6088A>G, p.Thr2030Ala (NM_015120.4); short protein forms T2029A, T2030A.
Identifiers: ClinVar variation 2497331 (VCV002497331.4), dbSNP rs759478895, ClinGen allele CA1714000.

ClinVar aggregate classification (germline): Uncertain significance. Review status: criteria provided, multiple submitters, no conflicts (2 of 4 stars). 3 submissions from 3 submitters: Uncertain significance (3). Last evaluated 2025-12-31.

Conditions:
Cardiovascular phenotype. Identifiers: MedGen CN230736.
Alstrom syndrome (ALMS). Identifiers: Orphanet 64, MedGen C0268425, MONDO:0008763, OMIM 203800.

Allele frequency attached by ClinVar (database versions not stated): TOPMed 0.00002.
gnomAD v4.1: 9 of 1,614,094 alleles (0.00056%); highest among the groups gnomAD compares: East Asian, 0.016%; no homozygotes.

Submissions (3):

Labcorp Genetics (formerly Invitae), Labcorp
Classification: Uncertain significance for Alstrom syndrome. Last evaluated: 2025-12-31. Review status: criteria provided, single submitter. Criteria: Invitae Variant Classification Sherloc (09022015). Collection method: clinical testing. Allele origin: germline.
Comment: This sequence change replaces threonine, which is neutral and polar, with alanine, which is neutral and non-polar, at codon 2030 of the ALMS1 protein (p.Thr2030Ala). This variant is present in population databases (rs759478895, gnomAD 0.02%). This variant has not been reported in the literature in individuals affected with ALMS1-related conditions. ClinVar contains an entry for this variant (Variation ID: 2497331). An algorithm developed to predict the effect of missense changes on protein structure and function outputs the following: PolyPhen-2: "Not Available". The alanine amino acid residue is found in multiple mammalian species, which suggests that this missense change does not adversely affect protein function. In summary, the available evidence is currently insufficient to determine the role of this variant in disease. Therefore, it has been classified as a Variant of Uncertain Significance.

GeneDx
Classification: Uncertain significance. Last evaluated: 2024-12-17. Review status: criteria provided, single submitter. Criteria: GeneDx Variant Classification Process June 2021. Collection method: clinical testing. Allele origin: germline. Affected: yes.
Comment: Reported in the heterozygous state in a patient with DCM in published literature (PMID: 26535225); In silico analysis supports that this missense variant does not alter protein structure/function; Also known as c.6082A>G p.(T2028A); This variant is associated with the following publications: (PMID: 26535225)

Ambry Genetics
Classification: Uncertain significance for Cardiovascular phenotype. Last evaluated: 2023-01-11. Review status: criteria provided, single submitter. Criteria: Ambry Variant Classification Scheme 2023. Collection method: clinical testing. Allele origin: germline.
Comment: The p.T2030A variant (also known as c.6088A>G), located in coding exon 8 of the ALMS1 gene, results from an A to G substitution at nucleotide position 6088. The threonine at codon 2030 is replaced by alanine, an amino acid with similar properties. This alteration has been reported as heterozygous in a case report with dilated cardiomyopathy (DCM); however, additional alterations in other cardiac-related genes were identified (Sanoudou D et al. Glob Cardiol Sci Pract, 2015 Jul;2015:29). This amino acid position is not well conserved in available vertebrate species. In addition, this alteration is predicted to be tolerated by in silico analysis. Since supporting evidence is limited at this time, the clinical significance of this alteration remains unclear.

Literature cited by the submitters: PubMed 26535225 (cited by Ambry Genetics).